The following is an entry in ClinVar:

NM_003238.6(TGFB2):c.1021T>C (p.Tyr341His)

Gene: TGFB2 (transforming growth factor beta 2; plus strand). Cytogenetic location: 1q41.
Variant type: single nucleotide variant.
Coding change: c.1021T>C on transcript NM_003238.6 (MANE Select); coding-DNA position 1021, T replaced by C.
Protein change: p.Tyr341His; replaces tyrosine 341 with histidine.
Molecular consequence: missense variant. On other transcripts: non-coding transcript variant (2).
Genome position (GRCh38, 1-based): chr1:218,437,431, T>C. VCF-style: chr1-218437431-T-C. GRCh37 (hg19) VCF-style: chr1-218610773-T-C.
Other names: c.1105T>C, p.Tyr369His (NM_001135599.4); short protein forms Y369H, Y341H.
Identifiers: ClinVar variation 2707019 (VCV002707019.3), dbSNP rs2464877643, ClinGen allele CA344727588.
Genomic context (GRCh38, chr1:218,437,431, plus strand): 5'-CCACTTTACATTGATTTCAAGAGGGATCTAGGGTGGAAATGGATACACGAACCCAAAGGG[T>C]ACAATGCCAACTTCTGTGCTGGAGCATGCCCGTATTTATGGAGTTCAGACACTCAGCACA-3'
Protein context (NP_003229.1, residues 331-351): GWKWIHEPKG[Tyr341His]NANFCAGACP

ClinVar aggregate classification (germline): Uncertain significance (1 of 4 stars; one submission).

Conditions:
Loeys-Dietz syndrome 4 (LDS4). Also called: ANEURYSM, AORTIC AND CEREBRAL, WITH ARTERIAL TORTUOSITY AND SKELETAL MANIFESTATIONS; TGFB2-Related Loeys-Dietz Syndrome. Identifiers: MedGen C3553762, MONDO:0013897, OMIM 614816.

Submission:

Labcorp Genetics (formerly Invitae), Labcorp
Classification: Uncertain significance for Loeys-Dietz syndrome 4. Last evaluated: 2024-01-02. Review status: criteria provided, single submitter. Criteria: Invitae Variant Classification Sherloc (09022015). Collection method: clinical testing. Allele origin: germline.
Comment: This sequence change replaces tyrosine, which is neutral and polar, with histidine, which is basic and polar, at codon 341 of the TGFB2 protein (p.Tyr341His). This variant is not present in population databases (gnomAD no frequency). This variant has not been reported in the literature in individuals affected with TGFB2-related conditions. Advanced modeling of protein sequence and biophysical properties (such as structural, functional, and spatial information, amino acid conservation, physicochemical variation, residue mobility, and thermodynamic stability) performed at Invitae indicates that this missense variant is expected to disrupt TGFB2 protein function with a positive predictive value of 80%. In summary, the available evidence is currently insufficient to determine the role of this variant in disease. Therefore, it has been classified as a Variant of Uncertain Significance.